The following is an entry in ClinVar:

NM_000090.4(COL3A1):c.2614G>C (p.Ala872Pro)

Gene: COL3A1 (collagen type III alpha 1 chain; plus strand). Cytogenetic location: 2q32.2.
Variant type: single nucleotide variant.
Coding change: c.2614G>C on transcript NM_000090.4 (MANE Select); coding-DNA position 2614, G replaced by C.
Protein change: p.Ala872Pro; replaces alanine 872 with proline.
Molecular consequence: missense variant.
Genome position (GRCh38, 1-based): chr2:189,003,740, G>C. VCF-style: chr2-189003740-G-C. GRCh37 (hg19) VCF-style: chr2-189868466-G-C.
Other names: short protein forms A872P.
Identifiers: ClinVar variation 921176 (VCV000921176.11), dbSNP rs1475390693, ClinGen allele CA349843548.

ClinVar aggregate classification (germline): Uncertain significance. Review status: criteria provided, multiple submitters, no conflicts (2 of 4 stars). 4 submissions from 4 submitters: Uncertain significance (4). Last evaluated 2025-09-23.

Conditions:
Ehlers-Danlos syndrome, type 4 (EDSVASC). Also called: Ehlers-Danlos Syndrome Type IV; Ehlers-Danlos syndrome vascular type; Ehlers Danlos syndrome, ecchymotic type; Ehlers Danlos syndrome, arterial type; Ehlers Danlos syndrome, Sack-Barabas type. Identifiers: Orphanet 286, MedGen C0268338, MONDO:0017314, OMIM 130050.
Familial thoracic aortic aneurysm and aortic dissection (TAAD). Also called: Thoracic aortic aneurysms and dissections. Identifiers: Orphanet 91387, MedGen C4707243, MONDO:0019625.

gnomAD v4.1: 6 of 1,613,848 alleles (0.00037%); highest among the groups gnomAD compares: Non-Finnish European, 0.00042%; no homozygotes.

Submissions (4):

Labcorp Genetics (formerly Invitae), Labcorp
Classification: Uncertain significance for Ehlers-Danlos syndrome, type 4. Last evaluated: 2025-09-23. Review status: criteria provided, single submitter. Criteria: Invitae Variant Classification Sherloc (09022015). Collection method: clinical testing. Allele origin: germline.
Comment: This sequence change replaces alanine, which is neutral and non-polar, with proline, which is neutral and non-polar, at codon 872 of the COL3A1 protein (p.Ala872Pro). This variant is not present in population databases (gnomAD no frequency). This variant has not been reported in the literature in individuals affected with COL3A1-related conditions. ClinVar contains an entry for this variant (Variation ID: 921176). Invitae Evidence Modeling of protein sequence and biophysical properties (such as structural, functional, and spatial information, amino acid conservation, physicochemical variation, residue mobility, and thermodynamic stability) indicates that this missense variant is not expected to disrupt COL3A1 protein function with a negative predictive value of 95%. In summary, the available evidence is currently insufficient to determine the role of this variant in disease. Therefore, it has been classified as a Variant of Uncertain Significance.

Color Diagnostics, LLC DBA Color Health
Classification: Uncertain significance for Familial thoracic aortic aneurysm and aortic dissection. Last evaluated: 2024-03-06. Review status: criteria provided, single submitter. Criteria: ACMG Guidelines, 2015. Collection method: clinical testing. Allele origin: germline.
Comment: This missense variant replaces alanine with proline at codon 872 of the COL3A1 protein. Computational prediction is inconclusive regarding the impact of this variant on protein structure and function (internally defined REVEL score threshold 0.5 < inconclusive < 0.7, PMID: 27666373). To our knowledge, functional studies have not been reported for this variant. This variant has not been reported in individuals affected with cardiovascular disorders in the literature. This variant has not been identified in the general population by the Genome Aggregation Database (gnomAD). The available evidence is insufficient to determine the role of this variant in disease conclusively. Therefore, this variant is classified as a Variant of Uncertain Significance.

All of Us Research Program, National Institutes of Health
Classification: Uncertain significance for Ehlers-Danlos syndrome, type 4. Last evaluated: 2023-05-08. Review status: criteria provided, single submitter. Criteria: ACMG Guidelines, 2015. Collection method: clinical testing. Allele origin: germline. Inheritance: Autosomal dominant inheritance. Observed: 1 variant allele, 1 heterozygote.
Comment: This missense variant replaces alanine with proline at codon 872 of the COL3A1 protein. Computational prediction is inconclusive regarding the impact of this variant on protein structure and function (internally defined REVEL score threshold 0.5 < inconclusive < 0.7, PMID: 27666373). To our knowledge, functional studies have not been reported for this variant. This variant has not been reported in individuals affected with cardiovascular disorders in the literature. This variant has not been identified in the general population by the Genome Aggregation Database (gnomAD). The available evidence is insufficient to determine the role of this variant in disease conclusively. Therefore, this variant is classified as a Variant of Uncertain Significance.

This study involves interpretation of variants in research participants for the purpose of population health screening. Participant phenotype was not available at the time of variant classification. Additional details can be found in publication PMID: 35346344, PMCID: PMC8962531

Centre of Medical Genetics, University Hospital Muenster
Classification: Uncertain significance. Last evaluated: 2021-12-15. Review status: criteria provided, single submitter. Criteria: ACMG Guidelines, 2015. Collection method: clinical testing. Allele origin: unknown. Affected: yes. Observed: 1 variant allele, 1 heterozygote.
Comment: ACMG categories: PM2,PP3